The following is an entry in ClinVar:

NM_004714.3(DYRK1B):c.1855C>T (p.Arg619Cys)

Gene: DYRK1B (dual specificity tyrosine phosphorylation regulated kinase 1B; minus strand). Cytogenetic location: 19q13.2.
Variant type: single nucleotide variant.
Coding change: c.1855C>T on transcript NM_004714.3 (MANE Select); coding-DNA position 1855, C replaced by T.
Protein change: p.Arg619Cys; replaces arginine 619 with cysteine.
Molecular consequence: missense variant.
Genome position (GRCh38, 1-based): chr19:39,825,750, G>A on the plus strand (C>T on the coding strand, the complement: DYRK1B is on the minus strand). VCF-style: chr19-39825750-G-A. GRCh37 (hg19) VCF-style: chr19-40316390-G-A.
Other names: c.1855C>T (NM_004714.2); c.1735C>T, p.Arg579Cys (NM_006483.3); c.1771C>T, p.Arg591Cys (NM_006484.3); short protein forms R579C, R591C, R619C.
Identifiers: ClinVar variation 2536055 (VCV002536055.6), dbSNP rs778845035, ClinGen allele CA9433905.

ClinVar aggregate classification (germline): Uncertain significance. Review status: criteria provided, multiple submitters, no conflicts (2 of 4 stars). 3 submissions from 3 submitters: Uncertain significance (2). 1 of the submissions does not count toward it. Last evaluated 2023-06-22.

Conditions:
DYRK1B-related disorder. Also called: DYRK1B-related condition.
Inborn genetic diseases. Identifiers: MedGen C0950123, MeSH D030342.

Allele frequency attached by ClinVar (database versions not stated): gnomAD 0.00002; gnomAD exomes 0.00004; TOPMed 0.00005; ExAC 0.00006.
gnomAD v4.1: 63 of 1,561,526 alleles (0.004%); highest among the groups gnomAD compares: African/African-American, 0.012%; no homozygotes.

Submissions (3):

Labcorp Genetics (formerly Invitae), Labcorp
Classification: Uncertain significance. Last evaluated: 2023-06-22. Review status: criteria provided, single submitter. Criteria: Invitae Variant Classification Sherloc (09022015). Collection method: clinical testing. Allele origin: germline.
Comment: This sequence change replaces arginine, which is basic and polar, with cysteine, which is neutral and slightly polar, at codon 619 of the DYRK1B protein (p.Arg619Cys). This variant is present in population databases (rs778845035, gnomAD 0.01%). This variant has not been reported in the literature in individuals affected with DYRK1B-related conditions. Advanced modeling of protein sequence and biophysical properties (such as structural, functional, and spatial information, amino acid conservation, physicochemical variation, residue mobility, and thermodynamic stability) performed at Invitae indicates that this missense variant is not expected to disrupt DYRK1B protein function. In summary, the available evidence is currently insufficient to determine the role of this variant in disease. Therefore, it has been classified as a Variant of Uncertain Significance.

Ambry Genetics
Classification: Uncertain significance for Inborn genetic diseases. Last evaluated: 2023-04-11. Review status: criteria provided, single submitter. Criteria: Ambry Variant Classification Scheme 2023. Collection method: clinical testing. Allele origin: germline.

PreventionGenetics, part of Exact Sciences
Classification: Uncertain significance for DYRK1B-related condition. Last evaluated: 2024-04-29. Review status: no assertion criteria provided. Collection method: clinical testing. Allele origin: germline. Not counted in ClinVar's aggregate classification.
Comment: The DYRK1B c.1855C>T variant is predicted to result in the amino acid substitution p.Arg619Cys. To our knowledge, this variant has not been reported in the literature. This variant is reported in 0.025% of alleles in individuals of African descent in gnomAD. Although we suspect that this variant may be benign, at this time, the clinical significance of this variant is uncertain due to the absence of conclusive functional and genetic evidence.